The following is an entry in ClinVar:

NM_001127178.3(PIGG):c.2879T>C (p.Met960Thr)

Gene: PIGG (phosphatidylinositol glycan anchor biosynthesis class G (EMM blood group); plus strand). Cytogenetic location: 4p16.3.
Variant type: single nucleotide variant.
Coding change: c.2879T>C on transcript NM_001127178.3 (MANE Select); coding-DNA position 2879, T replaced by C.
Protein change: p.Met960Thr; replaces methionine 960 with threonine.
Molecular consequence: missense variant. On other transcripts: non-coding transcript variant (10).
Genome position (GRCh38, 1-based): chr4:539,296, T>C. VCF-style: chr4-539296-T-C. GRCh37 (hg19) VCF-style: chr4-533085-T-C.
Other names: c.2612T>C, p.Met871Thr (NM_001289051.2, NM_001345986.2); c.2480T>C, p.Met827Thr (NM_001289052.2); c.2588T>C, p.Met863Thr (NM_001345987.2); c.1850T>C, p.Met617Thr (NM_001345988.2); c.1346T>C, p.Met449Thr (NM_001345990.2, NM_001345991.2); c.1781T>C, p.Met594Thr (NM_001345994.2); c.2855T>C, p.Met952Thr (NM_017733.5); c.2879T>C (NM_001127178.1); short protein forms M960T, M871T, M952T, M863T, M449T, M594T, M617T, M827T.
Identifiers: ClinVar variation 476345 (VCV000476345.15), dbSNP rs764170430, ClinGen allele CA2793781.

ClinVar aggregate classification (germline): Likely benign. Review status: criteria provided, multiple submitters, no conflicts (2 of 4 stars). 3 submissions from 3 submitters: Likely benign (2). 1 of the submissions does not count toward it. Last evaluated 2026-01-28.

Conditions:
Inborn genetic diseases. Identifiers: MedGen C0950123, MeSH D030342.
PIGG-related disorder. Also called: PIGG-related condition.
Intellectual disability, autosomal recessive 53 (NEDHSCA). Also called: GLYCOSYLPHOSPHATIDYLINOSITOL BIOSYNTHESIS DEFECT 13; Mental retardation, autosomal recessive 53; NEURODEVELOPMENTAL DISORDER WITH OR WITHOUT HYPOTONIA, SEIZURES, AND CEREBELLAR ATROPHY. Identifiers: Orphanet 488635, MedGen C4310794, MONDO:0014832, OMIM 616917.

Allele frequency attached by ClinVar (database versions not stated): gnomAD 0.00007; gnomAD exomes 0.00009 and 0.00046; TOPMed 0.00023; ExAC 0.00041.
gnomAD v4.1: 144 of 1,613,702 alleles (0.0089%); highest among the groups gnomAD compares: Admixed American, 0.23%; 2 homozygotes.

Submissions (3):

Labcorp Genetics (formerly Invitae), Labcorp
Classification: Likely benign for Intellectual disability, autosomal recessive 53. Last evaluated: 2026-01-28. Review status: criteria provided, single submitter. Criteria: Invitae Variant Classification Sherloc (09022015). Collection method: clinical testing. Allele origin: germline.

Ambry Genetics
Classification: Likely benign for Inborn genetic diseases. Last evaluated: 2024-09-09. Review status: criteria provided, single submitter. Criteria: Ambry Variant Classification Scheme 2023. Collection method: clinical testing. Allele origin: germline.

PreventionGenetics, part of Exact Sciences
Classification: Likely benign for PIGG-related condition. Last evaluated: 2023-08-17. Review status: no assertion criteria provided. Collection method: clinical testing. Allele origin: germline. Not counted in ClinVar's aggregate classification.
Comment: This variant is classified as likely benign based on ACMG/AMP sequence variant interpretation guidelines (Richards et al. 2015 PMID: 25741868, with internal and published modifications).